The following is an entry in ClinVar:

ClinVar aggregate classification (germline): Uncertain significance (1 of 4 stars; one submission).

Allele frequency attached by ClinVar (database versions not stated): TOPMed 0.00001; gnomAD 0.00003.
gnomAD v4.1: 18 of 1,551,578 alleles (0.0012%); highest among the groups gnomAD compares: Non-Finnish European, 0.0014%; no homozygotes.

Submission:

Labcorp Genetics (formerly Invitae), Labcorp
Classification: Uncertain significance. Last evaluated: 2026-01-30. Review status: criteria provided, single submitter. Criteria: Invitae Variant Classification Sherloc (09022015). Collection method: clinical testing. Allele origin: germline.
Comment: This sequence change replaces glutamic acid, which is acidic and polar, with lysine, which is basic and polar, at codon 1851 of the TET2 protein (p.Glu1851Lys). This variant is present in population databases (no rsID available, gnomAD 0.005%). This variant has not been reported in the literature in individuals affected with TET2-related conditions. ClinVar contains an entry for this variant (Variation ID: 1910114). An algorithm developed to predict the effect of missense changes on protein structure and function (PolyPhen-2) suggests that this variant is likely to be disruptive. In summary, the available evidence is currently insufficient to determine the role of this variant in disease. Therefore, it has been classified as a Variant of Uncertain Significance.

NM_001127208.3(TET2):c.5551G>A (p.Glu1851Lys)

Genes: TET2-AS1 (TET2 antisense RNA 1; minus strand), TET2 (tet methylcytosine dioxygenase 2; plus strand). Cytogenetic location: 4q24.
Variant type: single nucleotide variant.
Coding change: c.5551G>A on transcript NM_001127208.3 (MANE Select); coding-DNA position 5551, G replaced by A.
Protein change: p.Glu1851Lys; replaces glutamic acid 1851 with lysine.
Molecular consequence: missense variant.
Genome position (GRCh38, 1-based): chr4:105,276,061, G>A. VCF-style: chr4-105276061-G-A. GRCh37 (hg19) VCF-style: chr4-106197218-G-A.
Other names: short protein forms E1851K.
Identifiers: ClinVar variation 1910114 (VCV001910114.4), dbSNP rs1479422628, ClinGen allele CA357795549.